The following is an entry in ClinVar:

NM_000516.7(GNAS):c.1071C>G (p.His357Gln)

Gene: GNAS (GNAS complex locus; plus strand). Cytogenetic location: 20q13.32.
Variant type: single nucleotide variant.
Coding change: c.1071C>G on transcript NM_000516.7 (MANE Select); coding-DNA position 1071, C replaced by G.
Protein change: p.His357Gln; replaces histidine 357 with glutamine.
Molecular consequence: missense variant. On other transcripts: 3 prime UTR variant (2).
Genome position (GRCh38, 1-based): chr20:58,910,715, C>G. VCF-style: chr20-58910715-C-G. GRCh37 (hg19) VCF-style: chr20-57485770-C-G.
Other names: c.1074C>G, p.His358Gln (NM_001077488.5); c.1026C>G, p.His342Gln (NM_001077489.4); c.*932C>G (NM_001077490.3); c.894C>G, p.His298Gln (NM_001309840.2, NM_001309861.2, NM_001438276.1 and 1 more transcripts); c.975C>G, p.His325Gln (NM_001410912.1); c.2955C>G, p.His985Gln (NM_001410913.1); c.849C>G, p.His283Gln (NM_001438273.1, NM_001438274.1, NM_001438275.1); c.*977C>G (NM_016592.5); and 2 more; short protein forms H358Q, H1000Q, H283Q, H343Q, H985Q, H325Q, H342Q, H357Q.
Identifiers: ClinVar variation 4995318 (VCV004995318.1).

ClinVar aggregate classification (germline): Uncertain significance (1 of 4 stars; one submission).

Conditions:
GNAS-related disorder. Identifiers: MedGen CN380105.

Submission:

PreventionGenetics, part of Exact Sciences
Classification: Uncertain significance for GNAS-related condition. Last evaluated: 2026-02-03. Review status: criteria provided, single submitter. Criteria: ACMG Guidelines, 2015. Collection method: clinical testing. Allele origin: germline.
Comment: The GNAS c.1071C>G variant is predicted to result in the amino acid substitution p.His357Gln. To our knowledge, this variant has not been reported in the literature or in a large population database (gnomAD), indicating this variant is rare. At this time, the clinical significance of this variant is uncertain due to the absence of conclusive functional and genetic evidence.